The following is an entry in ClinVar:

NR_001564.3(XIST):n.10497_10507delGCCAGGATACA

Gene: XIST (X inactive specific transcript; minus strand). Cytogenetic location: Xq13.2.
Variant type: Deletion.
Genome position: GRCh38 VCF-style: chrX-73842202-TCTGGCTGTATC-T. GRCh37 (hg19) VCF-style: chrX-73062037-TCTGGCTGTATC-T.
Identifiers: ClinVar variation 3032664 (VCV003032664.2), dbSNP rs749949850, ClinGen allele CA10452646.

ClinVar aggregate classification (germline): Likely benign (0 of 4 stars; one submission).

Conditions:
XIST-related disorder. Also called: XIST-related condition.

Submission:

PreventionGenetics, part of Exact Sciences
Classification: Likely benign for XIST-related condition. Last evaluated: 2022-02-17. Review status: no assertion criteria provided. Collection method: clinical testing. Allele origin: germline.
Comment: This variant is classified as likely benign based on ACMG/AMP sequence variant interpretation guidelines (Richards et al. 2015 PMID: 25741868, with internal and published modifications).